The following is an entry in ClinVar:

NM_004329.3(BMPR1A):c.431-15T>C

Gene: BMPR1A (bone morphogenetic protein receptor type 1A; plus strand). Cytogenetic location: 10q23.2.
Variant type: single nucleotide variant.
Coding change: c.431-15T>C on transcript NM_004329.3 (MANE Select); 15 bases into the intron before coding-DNA position 431, T replaced by C.
Molecular consequence: intron variant.
Genome position (GRCh38, 1-based): chr10:86,900,012, T>C. VCF-style: chr10-86900012-T-C. GRCh37 (hg19) VCF-style: chr10-88659769-T-C.
Identifiers: ClinVar variation 1596615 (VCV001596615.9), dbSNP rs1843285624, ClinGen allele CA1925715055.
Genomic context (GRCh38, chr10:86,900,012, plus strand): 5'-CCAGGCTACCTAGAATTGAACACGTCAGATTATTTTTTCATTTCAATTGTTTACATTGTT[T>C]ACTTTTATTGTCAGGTCCGTTTTTTGATGGCAGCATTCGATGGCTGGTTTTGCTCATTTC-3'

ClinVar aggregate classification (germline): Likely benign. Review status: criteria provided, multiple submitters, no conflicts (2 of 4 stars). 2 submissions from 2 submitters: Likely benign (2). Last evaluated 2025-08-11.

Conditions:
Juvenile polyposis syndrome (JPS). Identifiers: Orphanet 2929, MedGen C0345893, MONDO:0017380, OMIM 174900.

Submissions (2):

Labcorp Genetics (formerly Invitae), Labcorp
Classification: Likely benign for Juvenile polyposis syndrome. Last evaluated: 2025-08-11. Review status: criteria provided, single submitter. Criteria: Invitae Variant Classification Sherloc (09022015). Collection method: clinical testing. Allele origin: germline.

Myriad Genetics, Inc.
Classification: Likely benign for Juvenile polyposis syndrome. Last evaluated: 2024-08-01. Review status: criteria provided, single submitter. Criteria: Myriad Autosomal Dominant, Autosomal Recessive and X-Linked Classification Criteria (2023). Collection method: clinical testing. Allele origin: unknown.
Comment: This variant is considered likely benign. This variant is intronic and is not expected to impact mRNA splicing.